The following is an entry in ClinVar:

NM_006269.2(RP1):c.4471G>C (p.Glu1491Gln)

Gene: RP1 (RP1 axonemal microtubule associated; plus strand). Cytogenetic location: 8q12.1.
Variant type: single nucleotide variant.
Coding change: c.4471G>C on transcript NM_006269.2 (MANE Select); coding-DNA position 4471, G replaced by C.
Protein change: p.Glu1491Gln; replaces glutamic acid 1491 with glutamine.
Molecular consequence: missense variant. On other transcripts: intron variant (1).
Genome position (GRCh38, 1-based): chr8:54,628,353, G>C. VCF-style: chr8-54628353-G-C. GRCh37 (hg19) VCF-style: chr8-55540913-G-C.
Other names: c.4471G>C (NM_006269.1); c.787+6065G>C (NM_001375654.1); short protein forms E1491Q.
Identifiers: ClinVar variation 1004156 (VCV001004156.7), dbSNP rs377386628, ClinGen allele CA4751874.

ClinVar aggregate classification (germline): Uncertain significance. Review status: criteria provided, multiple submitters, no conflicts (2 of 4 stars). 2 submissions from 2 submitters: Uncertain significance (2). Last evaluated 2024-11-09.

Conditions:
Inborn genetic diseases. Identifiers: MedGen C0950123, MeSH D030342.

Allele frequency attached by ClinVar (database versions not stated): gnomAD exomes below 0.00001 and 0.00001; ExAC 0.00001; gnomAD 0.00002 and 0.00003; TOPMed 0.00003; ESP Exome Variant Server 0.00008.
gnomAD v4.1: 4 of 1,613,674 alleles (0.00025%); highest among the groups gnomAD compares: African/African-American, 0.0053%; no homozygotes.

Submissions (2):

Ambry Genetics
Classification: Uncertain significance for Inborn genetic diseases. Last evaluated: 2024-11-09. Review status: criteria provided, single submitter. Criteria: Ambry Variant Classification Scheme 2023. Collection method: clinical testing. Allele origin: germline.

Labcorp Genetics (formerly Invitae), Labcorp
Classification: Uncertain significance. Last evaluated: 2024-02-05. Review status: criteria provided, single submitter. Criteria: Invitae Variant Classification Sherloc (09022015). Collection method: clinical testing. Allele origin: germline.
Comment: This sequence change replaces glutamic acid, which is acidic and polar, with glutamine, which is neutral and polar, at codon 1491 of the RP1 protein (p.Glu1491Gln). This variant is present in population databases (rs377386628, gnomAD 0.02%). This missense change has been observed in individual(s) with clinical features of RP1-related conditions (Invitae). ClinVar contains an entry for this variant (Variation ID: 1004156). An algorithm developed to predict the effect of missense changes on protein structure and function (PolyPhen-2) suggests that this variant is likely to be disruptive. In summary, the available evidence is currently insufficient to determine the role of this variant in disease. Therefore, it has been classified as a Variant of Uncertain Significance.